The following is an entry in ClinVar:

ClinVar aggregate classification (germline): Uncertain significance (1 of 4 stars; one submission).

Submission:

Labcorp Genetics (formerly Invitae), Labcorp
Classification: Uncertain significance. Last evaluated: 2022-10-02. Review status: criteria provided, single submitter. Criteria: Invitae Variant Classification Sherloc (09022015). Collection method: clinical testing. Allele origin: germline.
Comment: Algorithms developed to predict the effect of missense changes on protein structure and function are either unavailable or do not agree on the potential impact of this missense change (SIFT: "Deleterious"; PolyPhen-2: "Benign"; Align-GVGD: "Class C0"). In summary, the available evidence is currently insufficient to determine the role of this variant in disease. Therefore, it has been classified as a Variant of Uncertain Significance. This variant has not been reported in the literature in individuals affected with MSH3-related conditions. This sequence change replaces tyrosine, which is neutral and polar, with phenylalanine, which is neutral and non-polar, at codon 818 of the MSH3 protein (p.Tyr818Phe). This variant is not present in population databases (gnomAD no frequency).

NM_002439.5(MSH3):c.2453A>T (p.Tyr818Phe)

Gene: MSH3 (mutS homolog 3; plus strand). Cytogenetic location: 5q14.1.
Variant type: single nucleotide variant.
Coding change: c.2453A>T on transcript NM_002439.5 (MANE Select); coding-DNA position 2453, A replaced by T.
Protein change: p.Tyr818Phe; replaces tyrosine 818 with phenylalanine.
Molecular consequence: missense variant.
Genome position (GRCh38, 1-based): chr5:80,787,582, A>T. VCF-style: chr5-80787582-A-T. GRCh37 (hg19) VCF-style: chr5-80083401-A-T.
Other names: short protein forms Y818F.
Identifiers: ClinVar variation 2092926 (VCV002092926.4), dbSNP rs1311790719, ClinGen allele CA360283013.